The following is an entry in ClinVar:

ClinVar aggregate classification (germline): Uncertain significance (1 of 4 stars; one submission).

Conditions:
Myopathy, proximal, and ophthalmoplegia (CMYO6). Also called: CONGENITAL MYOPATHY 6 WITH OPHTHALMOPLEGIA; INCLUSION BODY MYOPATHY 3, AUTOSOMAL DOMINANT; MYOPATHY WITH CONGENITAL JOINT CONTRACTURES, OPHTHALMOPLEGIA, AND RIMMED VACUOLES. Identifiers: Orphanet 363677, Orphanet 79091, MedGen C1854106, MONDO:0011577, OMIM 605637.

Allele frequency attached by ClinVar (database versions not stated): gnomAD exomes below 0.00001 and 0.00002; TOPMed 0.00001; ExAC 0.00002; gnomAD 0.00002.

Submission:

Labcorp Genetics (formerly Invitae), Labcorp
Classification: Uncertain significance for Myopathy, proximal, and ophthalmoplegia. Last evaluated: 2026-01-19. Review status: criteria provided, single submitter. Criteria: Invitae Variant Classification Sherloc (09022015). Collection method: clinical testing. Allele origin: germline.
Comment: This sequence change replaces leucine, which is neutral and non-polar, with proline, which is neutral and non-polar, at codon 1054 of the MYH2 protein (p.Leu1054Pro). This variant is present in population databases (rs781763749, gnomAD 0.003%). This missense change has been observed in individual(s) with clinical features of autosomal dominant MYH2-related conditions (internal data). ClinVar contains an entry for this variant (Variation ID: 1395875). Invitae Evidence Modeling of protein sequence and biophysical properties (such as structural, functional, and spatial information, amino acid conservation, physicochemical variation, residue mobility, and thermodynamic stability) indicates that this missense variant is expected to disrupt MYH2 protein function with a positive predictive value of 80%. In summary, the available evidence is currently insufficient to determine the role of this variant in disease. Therefore, it has been classified as a Variant of Uncertain Significance.

NM_017534.6(MYH2):c.3161T>C (p.Leu1054Pro)

Genes: MYH2 (myosin heavy chain 2; minus strand), MYHAS (myosin heavy chain gene cluster antisense RNA; plus strand). Cytogenetic location: 17p13.1.
Variant type: single nucleotide variant.
Coding change: c.3161T>C on transcript NM_017534.6 (MANE Select); coding-DNA position 3161, T replaced by C.
Protein change: p.Leu1054Pro; replaces leucine 1054 with proline.
Molecular consequence: missense variant.
Genome position (GRCh38, 1-based): chr17:10,529,438, A>G on the plus strand (T>C on the coding strand, the complement: MYH2 is on the minus strand). VCF-style: chr17-10529438-A-G. GRCh37 (hg19) VCF-style: chr17-10432755-A-G.
Other names: c.3161T>C, p.Leu1054Pro (NM_001100112.2); short protein forms L1054P.
Identifiers: ClinVar variation 1395875 (VCV001395875.8), dbSNP rs781763749, ClinGen allele CA8390991.
Genomic context (GRCh38, chr17:10,529,438, plus strand): 5'-TCCATTATGGATTCTTGGGCCAACTTCAAGTCACCCTCAAGTTTCCTCTTAGCCCTTTCT[A>G]GGTCCATGCGAAGTTTCTTTTCTTGCTCCAAGGACCCTTCAAGCTAAATATAAATTATGT-3'
Protein context (NP_060004.3, residues 1044-1064): LEQEKKLRMD[Leu1054Pro]ERAKRKLEGD